The following is an entry in ClinVar:

ClinVar aggregate classification (germline): Uncertain significance (1 of 4 stars; one submission).

Conditions:
Inborn genetic diseases. Identifiers: MedGen C0950123, MeSH D030342.

Allele frequency attached by ClinVar (database versions not stated): gnomAD 0.00001; TOPMed 0.00001; gnomAD exomes 0.00002.
gnomAD v4.1: 26 of 1,609,902 alleles (0.0016%); highest among the groups gnomAD compares: South Asian, 0.0022%; no homozygotes.

Submission:

Ambry Genetics
Classification: Uncertain significance for Inborn genetic diseases. Last evaluated: 2021-03-24. Review status: criteria provided, single submitter. Criteria: Ambry Variant Classification Scheme 2023. Collection method: clinical testing. Allele origin: germline.
Comment: The c.1742C>T (p.S581F) alteration is located in exon 13 (coding exon 13) of the WDR62 gene. This alteration results from a C to T substitution at nucleotide position 1742, causing the serine (S) at amino acid position 581 to be replaced by a phenylalanine (F). The p.S581F alteration is predicted to be tolerated by in silico analysis. Based on insufficient or conflicting evidence, the clinical significance of this alteration remains unclear.

NM_001083961.2(WDR62):c.1742C>T (p.Ser581Phe)

Gene: WDR62 (WD repeat domain 62; plus strand). Cytogenetic location: 19q13.12.
Variant type: single nucleotide variant.
Coding change: c.1742C>T on transcript NM_001083961.2 (MANE Select); coding-DNA position 1742, C replaced by T.
Protein change: p.Ser581Phe; replaces serine 581 with phenylalanine.
Molecular consequence: missense variant.
Genome position (GRCh38, 1-based): chr19:36,086,786, C>T. VCF-style: chr19-36086786-C-T. GRCh37 (hg19) VCF-style: chr19-36577688-C-T.
Other names: c.1727C>T, p.Ser576Phe (NM_001411145.1); c.1742C>T, p.Ser581Phe (NM_001411146.1, NM_173636.5); c.1391C>T, p.Ser464Phe (NM_001411147.1); short protein forms S576F, S464F, S581F.
Identifiers: ClinVar variation 2229705 (VCV002229705.2), dbSNP rs1021916870, ClinGen allele CA307869951.